The following is an entry in ClinVar:

ClinVar aggregate classification (germline): Uncertain significance. Review status: criteria provided, multiple submitters, no conflicts (2 of 4 stars). 2 submissions from 2 submitters: Uncertain significance (2). Last evaluated 2024-03-20.

Conditions:
Autosomal recessive limb-girdle muscular dystrophy type 2Q (LGMDR17). Also called: MUSCULAR DYSTROPHY, LIMB-GIRDLE, AUTOSOMAL RECESSIVE 17. Identifiers: Orphanet 254361, MedGen C3150989, MONDO:0013390, OMIM 613723.
Epidermolysis bullosa simplex 5B, with muscular dystrophy (EBS5B). Also called: Epidermolysis bullosa simplex with muscular dystrophy; EPIDERMOLYSIS BULLOSA SIMPLEX AND LIMB-GIRDLE MUSCULAR DYSTROPHY. Identifiers: Orphanet 257, MedGen C2931072, MONDO:0009181, OMIM 226670.
Epidermolysis bullosa simplex, Ogna type (EBS5A). Also called: Pidermolysis bullosa simplex 5A, Ogna type; EPIDERMOLYSIS BULLOSA SIMPLEX 5A, OGNA TYPE. Identifiers: Orphanet 79401, MedGen C0432317, MONDO:0007555, OMIM 131950.
Epidermolysis bullosa simplex with nail dystrophy (EBS5D). Identifiers: MedGen C4225309, MONDO:0014661, OMIM 616487.
Epidermolysis bullosa simplex 5C, with pyloric atresia (EBS5C). Also called: PLEC1-Related Epidermolysis Bullosa with Pyloric Atresia; PLEC-Related Epidermolysis Bullosa with Pyloric Atresia; Epidermolysis bullosa simplex with pyloric atresia. Identifiers: Orphanet 158684, MedGen C2677349, MONDO:0012807, OMIM 612138.

Submissions (2):

Labcorp Genetics (formerly Invitae), Labcorp
Classification: Uncertain significance for Autosomal recessive limb-girdle muscular dystrophy type 2Q; Epidermolysis bullosa simplex, Ogna type; Epidermolysis bullosa simplex with nail dystrophy; Epidermolysis bullosa simplex 5C, with pyloric atresia; Epidermolysis bullosa simplex 5B, with muscular dystrophy. Last evaluated: 2024-03-20. Review status: criteria provided, single submitter. Criteria: Invitae Variant Classification Sherloc (09022015). Collection method: clinical testing. Allele origin: germline.
Comment: This sequence change replaces valine, which is neutral and non-polar, with methionine, which is neutral and non-polar, at codon 393 of the PLEC protein (p.Val393Met). The frequency data for this variant in the population databases is considered unreliable, as metrics indicate poor data quality at this position in the gnomAD database. This variant has not been reported in the literature in individuals affected with PLEC-related conditions. ClinVar contains an entry for this variant (Variation ID: 1961737). Experimental studies and prediction algorithms are not available or were not evaluated, and the functional significance of this variant is currently unknown. In summary, the available evidence is currently insufficient to determine the role of this variant in disease. Therefore, it has been classified as a Variant of Uncertain Significance.

Neuberg Centre For Genomic Medicine, NCGM
Classification: Uncertain significance for Autosomal recessive limb-girdle muscular dystrophy type 2Q. Last evaluated: 2023-03-01. Review status: criteria provided, single submitter. Criteria: ACMG Guidelines, 2015. Collection method: clinical testing. Allele origin: germline. Inheritance: Autosomal recessive inheritance. Affected: yes.
Comment: The missense variant c.1096G>A(p.Val366Met) in the PLEC gene has not been reported previously as a pathogenic variant nor as a benign variant, to our knowledge. This variant is reported with the allele frequency (0.00004%) in the gnomAD Exomes and novel in 1000 Genomes. The amino acid Valine at position 366 is changed to a Methionine changing protein sequence and it might alter its composition and physico-chemical properties. The variant is predicted as damaging by SIFT. The amino acid change p.Val366Met in PLEC is predicted as conserved by GERP++ and PhyloP across 100 vertebrates. For these reasons, this variant has been classified as Uncertain Significance.

NM_201384.3(PLEC):c.1096G>A (p.Val366Met)

Gene: PLEC (plectin; minus strand). Cytogenetic location: 8q24.3.
Variant type: single nucleotide variant.
Coding change: c.1096G>A on transcript NM_201384.3 (MANE Select); coding-DNA position 1096, G replaced by A.
Protein change: p.Val366Met; replaces valine 366 with methionine.
Molecular consequence: missense variant.
Genome position (GRCh38, 1-based): chr8:143,934,391, C>T on the plus strand (G>A on the coding strand, the complement: PLEC is on the minus strand). VCF-style: chr8-143934391-C-T. GRCh37 (hg19) VCF-style: chr8-145008559-C-T.
Other names: c.1177G>A, p.Val393Met (NM_000445.5, NM_001410941.1); c.1054G>A, p.Val352Met (NM_201378.4); c.1030G>A, p.Val344Met (NM_201379.3); c.1507G>A, p.Val503Met (NM_201380.4); c.1000G>A, p.Val334Met (NM_201381.3); c.1096G>A, p.Val366Met (NM_201382.4); c.1108G>A, p.Val370Met (NM_201383.3); short protein forms V344M, V352M, V334M, V393M, V503M, V366M, V370M.
Identifiers: ClinVar variation 1961737 (VCV001961737.4), dbSNP rs1554720711, ClinGen allele CA372584855.
Genomic context (GRCh38, chr8:143,934,391, plus strand): 5'-TGCGGAGCTGCTTCTCCCGCTCCAGGATGGCCACGTGCAGCTTGCCCCACTCCTTCTCCA[C>T]ATCCAGCGGGTGGTAGCCAGGGGGCACCTTGAGCTGGCCTGCTTGCACCGCTCCCTGTAG-3'
Protein context (NP_958786.1, residues 356-376): KVPPGYHPLD[Val366Met]EKEWGKLHVA